The following is an entry in ClinVar:

NM_057176.3(BSND):c.10G>T (p.Glu4Ter)

Gene: BSND (barttin CLCNK type accessory subunit beta; plus strand). Cytogenetic location: 1p32.3.
Variant type: single nucleotide variant.
Coding change: c.10G>T on transcript NM_057176.3 (MANE Select); coding-DNA position 10, G replaced by T.
Protein change: p.Glu4Ter; replaces glutamic acid 4 with a stop codon.
Molecular consequence: nonsense.
Genome position (GRCh38, 1-based): chr1:54,999,196, G>T. VCF-style: chr1-54999196-G-T. GRCh37 (hg19) VCF-style: chr1-55464869-G-T.
Other names: short protein forms E4*.
Identifiers: ClinVar variation 4389 (VCV000004389.15), dbSNP rs121908145, ClinGen allele CA116814.

ClinVar aggregate classification (germline): Pathogenic. Review status: criteria provided, multiple submitters, no conflicts (2 of 4 stars). 5 submissions from 5 submitters: Pathogenic (4). 1 of the submissions does not count toward it. Last evaluated 2025-03-28.

Conditions:
Bartter syndrome. Identifiers: Orphanet 112, MedGen C0004775, MONDO:0015231.
Sensorineural deafness with mild renal dysfunction. Identifiers: MedGen C2748440.
Bartter disease type 4A. Also called: BARTTER SYNDROME, TYPE 4A, NEONATAL, WITH SENSORINEURAL DEAFNESS; BARTTER SYNDROME, NEONATAL, WITH SENSORINEURAL DEAFNESS. Identifiers: Orphanet 112, MedGen C1865270, MONDO:0011242, OMIM 602522.
Hearing impairment. Also called: Impaired Hearing. Identifiers: MedGen C1384666, MONDO:0005365, HP:0000365.

Submissions (5):

Natera, Inc.
Classification: Pathogenic for Bartter syndrome. Last evaluated: 2025-03-28. Review status: criteria provided, single submitter. Criteria: Natera Variant Classification Schema (03/2026). Collection method: clinical testing. Allele origin: germline.
Comment: The c.10G>T variant in BSND is a nonsense variant predicted to introduce a stop codon at amino acid 4. This variant is expected to result in nonsense mediated decay, truncation, or a dysfunctional protein product. This variant is rare in the general population with a frequency below the threshold expected for the associated phenotype(s). This variant has been observed in one or more individuals affected with the associated recessive disease, as either homozygous or compound heterozygous with a second variant (PMID: 19646679). Additionally, this variant has been observed to segregate in affected family members (PMID: 19646679). Given the available evidence, this variant is classified as Pathogenic.

Labcorp Genetics (formerly Invitae), Labcorp
Classification: Pathogenic. Last evaluated: 2023-10-17. Review status: criteria provided, single submitter. Criteria: Invitae Variant Classification Sherloc (09022015). Collection method: clinical testing. Allele origin: germline.
Comment: This sequence change creates a premature translational stop signal (p.Glu4*) in the BSND gene. It is expected to result in an absent or disrupted protein product. Loss-of-function variants in BSND are known to be pathogenic (PMID: 11687798). The frequency data for this variant in the population databases is considered unreliable, as metrics indicate poor data quality at this position in the gnomAD database. This premature translational stop signal has been observed in individual(s) with Bartter syndrome (PMID: 19646679). In at least one individual the data is consistent with being in trans (on the opposite chromosome) from a pathogenic variant. It has also been observed to segregate with disease in related individuals. ClinVar contains an entry for this variant (Variation ID: 4389). For these reasons, this variant has been classified as Pathogenic.

Fulgent Genetics
Classification: Pathogenic for Bartter disease type 4A. Last evaluated: 2022-04-29. Review status: criteria provided, single submitter. Criteria: ACMG Guidelines, 2015. Collection method: clinical testing. Allele origin: unknown.

Department of Otolaryngology – Head & Neck Surgery, Cochlear Implant Center
Classification: Pathogenic for Hearing impairment. Last evaluated: 2021-04-12. Review status: criteria provided, single submitter. Criteria: ClinGen HL ACMG Specifications v1. Collection method: clinical testing. Allele origin: germline. Affected: yes.
Comment: PVS1_Strong, PS1_Moderate, PM2_Moderate

OMIM
Classification: Pathogenic for SENSORINEURAL DEAFNESS WITH MILD RENAL DYSFUNCTION. Last evaluated: 2009-08-01. Review status: no assertion criteria provided. Collection method: literature only. Allele origin: germline. Not counted in ClinVar's aggregate classification.

Literature cited by the submitters: PubMed 19646679 (cited by 3 submitters); PubMed 11687798 (cited by Labcorp Genetics (formerly Invitae), Labcorp).